The following is an entry in ClinVar:

ClinVar aggregate classification (germline): Uncertain significance (1 of 4 stars; one submission).

Conditions:
Marfan syndrome (MFS). Also called: FBN1-Related Marfan Syndrome; MARFAN SYNDROME, TYPE I; Marfan syndrome type 1; Marfan's syndrome; Marfan syndrome, classic. Identifiers: Orphanet 284963, Orphanet 558, MedGen C0024796, MONDO:0007947, OMIM 154700.
Familial thoracic aortic aneurysm and aortic dissection (TAAD). Also called: Thoracic aortic aneurysms and dissections. Identifiers: Orphanet 91387, MedGen C4707243, MONDO:0019625.

Submission:

Labcorp Genetics (formerly Invitae), Labcorp
Classification: Uncertain significance for Marfan syndrome; Familial thoracic aortic aneurysm and aortic dissection. Last evaluated: 2025-08-18. Review status: criteria provided, single submitter. Criteria: Invitae Variant Classification Sherloc (09022015). Collection method: clinical testing. Allele origin: germline.
Comment: This sequence change replaces arginine, which is basic and polar, with proline, which is neutral and non-polar, at codon 1906 of the FBN1 protein (p.Arg1906Pro). This variant is not present in population databases (gnomAD no frequency). This variant has not been reported in the literature in individuals affected with FBN1-related conditions. Invitae Evidence Modeling of protein sequence and biophysical properties (such as structural, functional, and spatial information, amino acid conservation, physicochemical variation, residue mobility, and thermodynamic stability) has been performed for this missense variant. However, the output from this modeling did not meet the statistical confidence thresholds required to predict the impact of this variant on FBN1 protein function. In summary, the available evidence is currently insufficient to determine the role of this variant in disease. Therefore, it has been classified as a Variant of Uncertain Significance.

NM_000138.5(FBN1):c.5717G>C (p.Arg1906Pro)

Gene: FBN1 (fibrillin 1; minus strand). Cytogenetic location: 15q21.1.
Variant type: single nucleotide variant.
Coding change: c.5717G>C on transcript NM_000138.5 (MANE Select); coding-DNA position 5717, G replaced by C.
Protein change: p.Arg1906Pro; replaces arginine 1906 with proline.
Molecular consequence: missense variant.
Genome position (GRCh38, 1-based): chr15:48,446,777, C>G on the plus strand (G>C on the coding strand, the complement: FBN1 is on the minus strand). VCF-style: chr15-48446777-C-G. GRCh37 (hg19) VCF-style: chr15-48738974-C-G.
Other names: c.5717G>C, p.Arg1906Pro (NM_001406716.1); short protein forms R1906P.
Identifiers: ClinVar variation 4789643 (VCV004789643.1).